The following is an entry in ClinVar:

ClinVar aggregate classification (germline): Pathogenic (1 of 4 stars; one submission).

Conditions:
Kleefstra syndrome 1 (KLEFS1). Identifiers: Orphanet 261494, MedGen C0795833, MONDO:0027407, OMIM 610253.

Submission:

Laboratory of Genetics, Children's Clinical University Hospital Latvia
Classification: Pathogenic for Kleefstra syndrome 1. Review status: criteria provided, single submitter. Criteria: ACMG Guidelines, 2015. Collection method: curation. Allele origin: de novo. Affected: yes.
Comment: de novo

Literature cited by the submitters: PubMed 39013458.

NM_024757.5(EHMT1):c.38_39insA (p.Glu14fs)

Gene: EHMT1 (euchromatic histone lysine methyltransferase 1; plus strand). Cytogenetic location: 9q34.3.
Variant type: Insertion.
Coding change: c.38_39insA on transcript NM_024757.5 (MANE Select); coding-DNA positions 38 to 39, A inserted.
Protein change: p.Glu14fs; shifts the reading frame from glutamic acid 14.
Molecular consequence: frameshift variant. On other transcripts: intron variant (2).
Genome position: GRCh38 VCF-style: chr9-137710983-G-GA. GRCh37 (hg19) VCF-style: chr9-140605435-G-GA.
Other names: c.38_39insA, p.Glu14fs (NM_001145527.2, NM_001354263.2, NM_001354611.2); c.-8-5643_-8-5642insA (NM_001354259.2, NM_001354612.2); short protein forms E14fs.
Identifiers: ClinVar variation 3236903 (VCV003236903.1).